The following is an entry in ClinVar:

NM_206933.4(USH2A):c.4024G>C (p.Val1342Leu)

Genes: USH2A (usherin; minus strand), USH2A-AS1 (USH2A antisense RNA 1; plus strand). Cytogenetic location: 1q41.
Variant type: single nucleotide variant.
Coding change: c.4024G>C on transcript NM_206933.4 (MANE Select); coding-DNA position 4024, G replaced by C.
Protein change: p.Val1342Leu; replaces valine 1342 with leucine.
Molecular consequence: missense variant.
Genome position (GRCh38, 1-based): chr1:216,198,372, C>G on the plus strand (G>C on the coding strand, the complement: USH2A is on the minus strand). VCF-style: chr1-216198372-C-G. GRCh37 (hg19) VCF-style: chr1-216371714-C-G.
Other names: c.4024G>C, p.Val1342Leu (NM_007123.6); short protein forms V1342L.
Identifiers: ClinVar variation 1063996 (VCV001063996.12), dbSNP rs778505422, ClinGen allele CA1395851.
Genomic context (GRCh38, chr1:216,198,372, plus strand): 5'-TACCTGATTCTCCCGTTCTTTCTGAGACCCAGGCAGAAGACACACTTCCAGCCATATTCA[C>G]AGCTAAGACTCTGAACTCATACTTGGTGTATGGCTCCAAGCCAGTGATGGTTGTCATTGT-3'
Protein context (NP_996816.3, residues 1332-1352): YTKYEFRVLA[Val1342Leu]NMAGSVSSAW

ClinVar aggregate classification (germline): Uncertain significance. Review status: criteria provided, multiple submitters, no conflicts (2 of 4 stars). 6 submissions from 5 submitters: Uncertain significance (6). Last evaluated 2025-06-23.

Conditions:
Retinitis pigmentosa 39 (RP39). Identifiers: Orphanet 791, MedGen C3151138, MONDO:0013436, OMIM 613809.
Usher syndrome type 2A. Also called: RETINAL DISEASE IN USHER SYNDROME TYPE IIA, MODIFIER OF; USHER SYNDROME, TYPE IIA. Identifiers: Orphanet 231178, Orphanet 886, MedGen C1848634, MONDO:0010169, OMIM 276901.
USH2A-related disorder. Also called: USH2A-related disorders; USH2A-related condition. Identifiers: MedGen CN239332.

Allele frequency attached by ClinVar (database versions not stated): ExAC 0.00001.
gnomAD v4.1: 9 of 1,613,940 alleles (0.00056%); highest among the groups gnomAD compares: African/African-American, 0.011%; no homozygotes.

Submissions (6):

PreventionGenetics, part of Exact Sciences
Classification: Uncertain significance for USH2A-related condition. Last evaluated: 2025-06-23. Review status: criteria provided, single submitter. Criteria: ACMG Guidelines, 2015. Collection method: clinical testing. Allele origin: germline.
Comment: The USH2A c.4024G>C variant is predicted to result in the amino acid substitution p.Val1342Leu. To our knowledge, this variant has not been reported in the literature. This variant is reported in 0.0062% of alleles in individuals of African descent in gnomAD. At this time, the clinical significance of this variant is uncertain due to the absence of conclusive functional and genetic evidence.

GeneDx
Classification: Uncertain significance. Last evaluated: 2025-06-03. Review status: criteria provided, single submitter. Criteria: GeneDx Variant Classification Process June 2021. Collection method: clinical testing. Allele origin: germline. Affected: yes.
Comment: Not observed at significant frequency in large population cohorts (gnomAD); In silico analysis suggests that this missense variant does not alter protein structure/function; Has not been previously published as pathogenic or benign to our knowledge

Genome-Nilou Lab
Classification: Uncertain significance for Retinitis pigmentosa 39. Last evaluated: 2023-11-04. Review status: criteria provided, single submitter. Criteria: ACMG Guidelines, 2015. Collection method: clinical testing. Allele origin: germline. Affected: no.

Genome-Nilou Lab
Classification: Uncertain significance for Usher syndrome type 2A. Last evaluated: 2023-11-04. Review status: criteria provided, single submitter. Criteria: ACMG Guidelines, 2015. Collection method: clinical testing. Allele origin: germline. Affected: no.

Labcorp Genetics (formerly Invitae), Labcorp
Classification: Uncertain significance. Last evaluated: 2022-10-17. Review status: criteria provided, single submitter. Criteria: Invitae Variant Classification Sherloc (09022015). Collection method: clinical testing. Allele origin: germline.
Comment: This sequence change replaces valine, which is neutral and non-polar, with leucine, which is neutral and non-polar, at codon 1342 of the USH2A protein (p.Val1342Leu). This variant is present in population databases (rs778505422, gnomAD 0.007%). This missense change has been observed in individual(s) with USH2A-related conditions (Invitae). ClinVar contains an entry for this variant (Variation ID: 1063996). Advanced modeling of protein sequence and biophysical properties (such as structural, functional, and spatial information, amino acid conservation, physicochemical variation, residue mobility, and thermodynamic stability) performed at Invitae indicates that this missense variant is not expected to disrupt USH2A protein function. In summary, the available evidence is currently insufficient to determine the role of this variant in disease. Therefore, it has been classified as a Variant of Uncertain Significance.

Blueprint Genetics
Classification: Uncertain significance. Last evaluated: 2021-11-08. Review status: criteria provided, single submitter. Criteria: ACMG Guidelines, 2015. Collection method: clinical testing. Allele origin: germline.